The following is an entry in ClinVar:

ClinVar aggregate classification (germline): Pathogenic. Review status: criteria provided, multiple submitters, no conflicts (2 of 4 stars). 6 submissions from 6 submitters: Pathogenic (5). 1 of the submissions does not count toward it. Last evaluated 2025-09-02.

Conditions:
ABCC6-related disorder. Also called: ABCC6-related condition.
Arterial calcification, generalized, of infancy, 2. Identifiers: Orphanet 51608, MedGen C3276161, MONDO:0013768, OMIM 614473.
Autosomal recessive inherited pseudoxanthoma elasticum (PXE). Identifiers: Orphanet 758, MedGen CN032334, MONDO:0009925, OMIM 264800.
Pseudoxanthoma elasticum, forme fruste. Also called: Pseudoxanthoma Elasticum, Incomplete; PSEUDOXANTHOMA ELASTICUM, HETEROZYGOUS. Identifiers: Orphanet 758, MedGen C1867450, MONDO:0008333, OMIM 177850.

Allele frequency attached by ClinVar (database versions not stated): TOPMed 0.00002; ExAC 0.00003; gnomAD exomes 0.00003 and 0.00005; gnomAD 0.00004; ESP Exome Variant Server 0.00016.

Submissions (6):

Labcorp Genetics (formerly Invitae), Labcorp
Classification: Pathogenic. Last evaluated: 2025-09-02. Review status: criteria provided, single submitter. Criteria: Invitae Variant Classification Sherloc (09022015). Collection method: clinical testing. Allele origin: germline.
Comment: This sequence change creates a premature translational stop signal (p.Lys1394Asnfs*9) in the ABCC6 gene. It is expected to result in an absent or disrupted protein product. Loss-of-function variants in ABCC6 are known to be pathogenic (PMID: 11536079, 17617515). This variant is present in population databases (rs67791546, gnomAD 0.01%). This premature translational stop signal has been observed in individuals with pseudoxanthoma elasticum (PMID: 12673275). ClinVar contains an entry for this variant (Variation ID: 433351). For these reasons, this variant has been classified as Pathogenic.

PreventionGenetics, part of Exact Sciences
Classification: Pathogenic for ABCC6-related condition. Last evaluated: 2025-06-02. Review status: criteria provided, single submitter. Criteria: ACMG Guidelines, 2015. Collection method: clinical testing. Allele origin: germline.
Comment: The ABCC6 c.4182delG variant is predicted to result in a frameshift and premature protein termination (p.Lys1394Asnfs*9). This variant has been reported in individuals with pseudoxanthoma elasticum, including one confirmed compound heterozygous individual (Hu et al. 2003. PubMed ID: 12673275; Bertamino et al. 2018. PubMed ID: 29709427; Boraldi et al 2021. PubMed ID: 34205333). It has also been reported in the compound heterozygous state in an individual with pediatric arterial ischemic stroke (Grossi et al 2020. PubMed ID: 32818659). This variant is reported in 0.010% of alleles in individuals of European (Non-Finnish) descent in gnomAD. Frameshift variants in ABCC6 are expected to be pathogenic. This variant is interpreted as pathogenic.

Blueprint Genetics
Classification: Pathogenic for ABCC6-related disorders. Last evaluated: 2023-05-25. Review status: criteria provided, single submitter. Criteria: ACMG Guidelines, 2015. Collection method: clinical testing. Allele origin: germline. Affected: yes. Observed: 5 variant alleles.

Fulgent Genetics
Classification: Pathogenic for Pseudoxanthoma elasticum, forme fruste; Autosomal recessive inherited pseudoxanthoma elasticum; Arterial calcification, generalized, of infancy, 2. Last evaluated: 2021-09-05. Review status: criteria provided, single submitter. Criteria: ACMG Guidelines, 2015. Collection method: clinical testing. Allele origin: unknown.

GeneDx
Classification: Pathogenic. Last evaluated: 2020-01-18. Review status: criteria provided, single submitter. Criteria: GeneDx Variant Classification Process June 2021. Collection method: clinical testing. Allele origin: germline. Affected: yes.
Comment: Frameshift variant predicted to result in protein truncation or nonsense mediated decay in a gene for which loss-of-function is a known mechanism of disease; This variant is associated with the following publications: (PMID: 16392638, 29800625, 29709427, 12673275, 25764262, 16604369, 16127278, 24969777, 23485117, 18157818, 15727254, 20189652, 16835894, 32818659)

PXE International
Classification: Pathogenic for Autosomal recessive inherited pseudoxanthoma elasticum. Last evaluated: 2021-03-01. Review status: no assertion criteria provided. Collection method: research. Allele origin: germline. Inheritance: Autosomal recessive inheritance. Affected: yes. Not counted in ClinVar's aggregate classification.

Literature cited by the submitters: PubMed 11536079 (cited by Labcorp Genetics (formerly Invitae), Labcorp); PubMed 17617515 (cited by Labcorp Genetics (formerly Invitae), Labcorp); PubMed 12673275 (cited by Labcorp Genetics (formerly Invitae), Labcorp and PXE International); PubMed 29800625 (cited by PXE International).

NM_001171.6(ABCC6):c.4182del (p.Lys1394fs)

Gene: ABCC6 (ATP binding cassette subfamily C member 6; minus strand). Cytogenetic location: 16p13.11.
Variant type: Deletion.
Coding change: c.4182del on transcript NM_001171.6 (MANE Select); coding-DNA position 4182, one base deleted (G; older notation c.4182delG).
Protein change: p.Lys1394fs; shifts the reading frame from lysine 1394.
Molecular consequence: frameshift variant. On other transcripts: non-coding transcript variant (1).
Genome position (GRCh38, 1-based): chr16:16,154,654, C deleted on the plus strand (G on the coding strand, the reverse complement: ABCC6 is on the minus strand). VCF-style (leftmost placement, unchanged base first): chr16-16154653-AC-A. GRCh37 (hg19) VCF-style: chr16-16248510-AC-A.
Other names: c.4182delG (NM_001171.5); c.3840del, p.Lys1280fs (NM_001351800.1); short protein forms K1394fs, K1280fs.
Identifiers: ClinVar variation 433351 (VCV000433351.15), dbSNP rs67791546, ClinGen allele CA7925292.
Genomic context (GRCh38, chr16:16,154,653, plus strand): 5'-ACCTGCAGGTCCCAGCCATGGTGGGACGACCATACCTCAGGTCCTCGCCTCGGTCAGCAC[AC>A]TTGTACTGCAGCTGGCCGGGCAGGCTGGCCACCAAGGCTTTGAGCTGCACCGTCTCCAGG-3'